The following is an entry in ClinVar:

ClinVar aggregate classification (germline): Uncertain significance (1 of 4 stars; one submission).

Conditions:
Inborn genetic diseases. Identifiers: MedGen C0950123, MeSH D030342.

Submission:

Ambry Genetics
Classification: Uncertain significance for Inborn genetic diseases. Last evaluated: 2019-12-27. Review status: criteria provided, single submitter. Criteria: Ambry Variant Classification Scheme 2023. Collection method: clinical testing. Allele origin: germline.
Comment: The alteration is predicted to abolish the native donor splice site:_x000D_ _x000D_ The c.694+1G>T intronic alteration consists of a G to T substitution one nucleotide after coding exon 2 of the NFIA gene. Based on BDGP and ESEfinder splice site in silico tools, this alteration is predicted to abolish the native splice donor site; however, direct evidence is unavailable. Additionally, splicing in silico tools predict a nearby cryptic donor which would result in the in-frame insertion of 4 amino acids within a region without a functional domain. The alteration is not observed in population databases: _x000D_ _x000D_ Based on data from the Genome Aggregation Database (gnomAD), the NFIA c.694+1G>T alteration was not observed, with coverage at this position. The altered nucleotide is conserved throughout evolution:_x000D_ _x000D_ The c.694+1G nucleotide is conserved in available vertebrate species. Based on insufficient or conflicting evidence, the clinical significance of this alteration remains unclear.

NM_001134673.4(NFIA):c.559+1G>T

Gene: NFIA (nuclear factor I A; plus strand). Cytogenetic location: 1p31.3.
Variant type: single nucleotide variant.
Coding change: c.559+1G>T on transcript NM_001134673.4 (MANE Select); the canonical splice donor site of the intron after coding-DNA position 559, G replaced by T.
Molecular consequence: splice donor variant.
Genome position (GRCh38, 1-based): chr1:61,088,681, G>T. VCF-style: chr1-61088681-G-T. GRCh37 (hg19) VCF-style: chr1-61554353-G-T.
Other names: c.535+1G>T (NM_001145511.2); c.694+1G>T (NM_001145512.2); c.559+1G>T (NM_005595.5).
Identifiers: ClinVar variation 986014 (VCV000986014.5), dbSNP rs1646262775, ClinGen allele CA340587327.